The following is an entry in ClinVar:

ClinVar aggregate classification (germline): Likely pathogenic (1 of 4 stars; one submission).

Conditions:
Megalencephalic leukoencephalopathy with subcortical cysts 1 (MLC1). Also called: VACUOLATING MEGALENCEPHALIC LEUKOENCEPHALOPATHY WITH SUBCORTICAL CYSTS; LEUKOENCEPHALOPATHY WITH SWELLING AND CYSTS. Identifiers: Orphanet 2478, MedGen C5779875, MONDO:0024555, OMIM 604004.

Submission:

Juno Genomics, Hangzhou Juno Genomics, Inc
Classification: Likely pathogenic for Megalencephalic leukoencephalopathy with subcortical cysts 1. Review status: criteria provided, single submitter. Criteria: ACMG Guidelines, 2015. Collection method: clinical testing. Allele origin: germline.
Comment: Null variant in a gene where loss of function (LOF) is a known mechanism of disease.;Absent from controls (or at extremely low frequency if recessive) in Genome Aggregation Database.

NM_015166.4(MLC1):c.453dup (p.Leu152fs)

Gene: MLC1 (modulator of VRAC current 1; minus strand). Cytogenetic location: 22q13.33.
Variant type: Duplication.
Coding change: c.453dup on transcript NM_015166.4 (MANE Select); coding-DNA position 453, one base duplicated (G; older notation c.453dupG).
Protein change: p.Leu152fs; shifts the reading frame from leucine 152.
Molecular consequence: frameshift variant. On other transcripts: non-coding transcript variant (3).
Genome position (GRCh38, 1-based): chr22:50,077,473, C duplicated on the plus strand (G on the coding strand, the reverse complement: MLC1 is on the minus strand). VCF-style (leftmost placement, unchanged base first): chr22-50077472-G-GC. GRCh37 (hg19) VCF-style: chr22-50515901-G-GC.
Other names: c.453dup, p.Leu152fs (NM_001376472.1, NM_001376473.1, NM_001376474.1 and 6 more transcripts); c.363dup, p.Leu122fs (NM_001376480.1); c.351dup, p.Leu118fs (NM_001376481.1); c.297dup, p.Leu100fs (NM_001376482.1, NM_001376483.1); c.216dup, p.Leu73fs (NM_001376484.1); short protein forms L122fs, L152fs, L73fs, L100fs, L118fs.
Identifiers: ClinVar variation 5006508 (VCV005006508.2).
Genomic context (GRCh38, chr22:50,077,472, plus strand): 5'-TGCAGTCCTCCTCGCTGGACCGTGCAGCGATGATCACCGTGGCCGCCATGAGCAGCTCCA[G>GC]CAGGAGCAGCAGGATGAGGTTGAAGTTGATCTGCCAAGGGGCACACACGCTTCAGCACCG-3'